The following is an entry in ClinVar:

NM_001282531.3(ADNP):c.2646G>T (p.Leu882Phe)

Gene: ADNP (activity dependent neuroprotector homeobox; minus strand). Cytogenetic location: 20q13.13.
Variant type: single nucleotide variant.
Coding change: c.2646G>T on transcript NM_001282531.3 (MANE Select); coding-DNA position 2646, G replaced by T.
Protein change: p.Leu882Phe; replaces leucine 882 with phenylalanine.
Molecular consequence: missense variant.
Genome position (GRCh38, 1-based): chr20:50,892,068, C>A on the plus strand (G>T on the coding strand, the complement: ADNP is on the minus strand). VCF-style: chr20-50892068-C-A. GRCh37 (hg19) VCF-style: chr20-49508605-C-A.
Other names: c.2646G>T, p.Leu882Phe (NM_001282532.2, NM_001347511.2, NM_015339.5 and 1 more transcripts); short protein forms L882F.
Identifiers: ClinVar variation 1697028 (VCV001697028.2), dbSNP rs202128624, ClinGen allele CA408968496.

ClinVar aggregate classification (germline): Uncertain significance (1 of 4 stars; one submission).

Submission:

GeneDx
Classification: Uncertain significance. Last evaluated: 2022-01-12. Review status: criteria provided, single submitter. Criteria: GeneDx Variant Classification Process June 2021. Collection method: clinical testing. Allele origin: germline. Affected: yes.
Comment: Not observed at significant frequency in large population cohorts (gnomAD); In silico analysis supports that this missense variant does not alter protein structure/function; Has not been previously published as pathogenic or benign to our knowledge